The following is an entry in ClinVar:

ClinVar aggregate classification (germline): Uncertain significance. Review status: criteria provided, multiple submitters, no conflicts (2 of 4 stars). 2 submissions from 2 submitters: Uncertain significance (2). Last evaluated 2024-03-29.

Conditions:
Warts, hypogammaglobulinemia, infections, and myelokathexis. Also called: WHIM syndrome. Identifiers: MedGen C0472817, MONDO:0023880.

gnomAD v4.1: 2 of 1,614,148 alleles (0.00012%); highest among the groups gnomAD compares: Non-Finnish European, 0.00017%; no homozygotes.

Submissions (2):

Labcorp Genetics (formerly Invitae), Labcorp
Classification: Uncertain significance for Warts, hypogammaglobulinemia, infections, and myelokathexis. Last evaluated: 2024-03-29. Review status: criteria provided, single submitter. Criteria: Invitae Variant Classification Sherloc (09022015). Collection method: clinical testing. Allele origin: germline.
Comment: This sequence change replaces serine, which is neutral and polar, with leucine, which is neutral and non-polar, at codon 18 of the CXCR4 protein (p.Ser18Leu). This variant is present in population databases (no rsID available, gnomAD 0.0009%). This variant has not been reported in the literature in individuals affected with CXCR4-related conditions. An algorithm developed to predict the effect of missense changes on protein structure and function (PolyPhen-2) suggests that this variant is likely to be tolerated. In summary, the available evidence is currently insufficient to determine the role of this variant in disease. Therefore, it has been classified as a Variant of Uncertain Significance.

Blueprint Genetics
Classification: Uncertain significance. Last evaluated: 2019-11-25. Review status: criteria provided, single submitter. Criteria: ACMG Guidelines, 2015. Collection method: clinical testing. Allele origin: germline.

NM_003467.3(CXCR4):c.53C>T (p.Ser18Leu)

Gene: CXCR4 (C-X-C motif chemokine receptor 4; minus strand). Cytogenetic location: 2q22.1.
Variant type: single nucleotide variant.
Coding change: c.53C>T on transcript NM_003467.3 (MANE Select); coding-DNA position 53, C replaced by T.
Protein change: p.Ser18Leu; replaces serine 18 with leucine.
Molecular consequence: missense variant.
Genome position (GRCh38, 1-based): chr2:136,115,875, G>A on the plus strand (C>T on the coding strand, the complement: CXCR4 is on the minus strand). VCF-style: chr2-136115875-G-A. GRCh37 (hg19) VCF-style: chr2-136873445-G-A.
Other names: c.65C>T, p.Ser22Leu (NM_001008540.2); c.266C>T, p.Ser89Leu (NM_001348056.2); c.152C>T, p.Ser51Leu (NM_001348059.2); c.8C>T, p.Ser3Leu (NM_001348060.2); short protein forms S22L, S3L, S51L, S18L, S89L.
Identifiers: ClinVar variation 3707540 (VCV003707540.3).